The following is an entry in ClinVar:

NM_004341.5(CAD):c.5470G>T (p.Ala1824Ser)

Gene: CAD (carbamoyl-phosphate synthetase 2, aspartate transcarbamylase, and dihydroorotase; plus strand). Cytogenetic location: 2p23.3.
Variant type: single nucleotide variant.
Coding change: c.5470G>T on transcript NM_004341.5 (MANE Select); coding-DNA position 5470, G replaced by T.
Protein change: p.Ala1824Ser; replaces alanine 1824 with serine.
Molecular consequence: missense variant.
Genome position (GRCh38, 1-based): chr2:27,239,772, G>T. VCF-style: chr2-27239772-G-T. GRCh37 (hg19) VCF-style: chr2-27462640-G-T.
Other names: c.5281G>T, p.Ala1761Ser (NM_001306079.2); c.5470G>T (NM_004341.3); short protein forms A1761S, A1824S.
Identifiers: ClinVar variation 1994639 (VCV001994639.2), dbSNP rs2465356177, ClinGen allele CA346222913.

ClinVar aggregate classification (germline): Uncertain significance. Review status: criteria provided, multiple submitters, no conflicts (2 of 4 stars). 2 submissions from 2 submitters: Uncertain significance (2). Last evaluated 2025-01-16.

Conditions:
Inborn genetic diseases. Identifiers: MedGen C0950123, MeSH D030342.

Submissions (2):

Ambry Genetics
Classification: Uncertain significance for Inborn genetic diseases. Last evaluated: 2025-01-16. Review status: criteria provided, single submitter. Criteria: Ambry Variant Classification Scheme 2023. Collection method: clinical testing. Allele origin: germline.

Labcorp Genetics (formerly Invitae), Labcorp
Classification: Uncertain significance. Last evaluated: 2022-08-16. Review status: criteria provided, single submitter. Criteria: Invitae Variant Classification Sherloc (09022015). Collection method: clinical testing. Allele origin: germline.
Comment: This sequence change replaces alanine, which is neutral and non-polar, with serine, which is neutral and polar, at codon 1824 of the CAD protein (p.Ala1824Ser). This variant is not present in population databases (gnomAD no frequency). This variant has not been reported in the literature in individuals affected with CAD-related conditions. Algorithms developed to predict the effect of missense changes on protein structure and function (SIFT, PolyPhen-2, Align-GVGD) all suggest that this variant is likely to be tolerated. In summary, the available evidence is currently insufficient to determine the role of this variant in disease. Therefore, it has been classified as a Variant of Uncertain Significance.